The following is an entry in ClinVar:

ClinVar aggregate classification (germline): Uncertain significance (1 of 4 stars; one submission).

Conditions:
Hereditary cancer-predisposing syndrome. Also called: Neoplastic Syndromes, Hereditary; Tumor predisposition; Hereditary Cancer Syndrome; Hereditary neoplastic syndrome. Identifiers: Orphanet 140162, MedGen C0027672, MeSH D009386, MONDO:0015356.

Submission:

Ambry Genetics
Classification: Uncertain significance for Hereditary cancer-predisposing syndrome. Last evaluated: 2020-12-14. Review status: criteria provided, single submitter. Criteria: Ambry Variant Classification Scheme 2023. Collection method: clinical testing. Allele origin: germline.
Comment: The p.G2760D variant (also known as c.8279G>A), located in coding exon 17 of the BRCA2 gene, results from a G to A substitution at nucleotide position 8279. The glycine at codon 2760 is replaced by aspartic acid, an amino acid with similar properties. This amino acid position is highly conserved in available vertebrate species. In addition, this alteration is predicted to be deleterious by in silico analysis. Since supporting evidence is limited at this time, the clinical significance of this alteration remains unclear.

NM_000059.4(BRCA2):c.8279G>A (p.Gly2760Asp)

Gene: BRCA2 (BRCA2 DNA repair associated; plus strand). Cytogenetic location: 13q13.1.
Variant type: single nucleotide variant.
Coding change: c.8279G>A on transcript NM_000059.4 (MANE Select); coding-DNA position 8279, G replaced by A.
Protein change: p.Gly2760Asp; replaces glycine 2760 with aspartic acid.
Molecular consequence: missense variant.
Genome position (GRCh38, 1-based): chr13:32,363,481, G>A. VCF-style: chr13-32363481-G-A. GRCh37 (hg19) VCF-style: chr13-32937618-G-A.
Other names: c.8183G>A, p.Gly2728Asp (NM_001406719.1); c.8279G>A, p.Gly2760Asp (NM_001406720.1); c.3347G>A, p.Gly1116Asp (NM_001406721.1); c.1862G>A, p.Gly621Asp (NM_001406722.1); short protein forms G2728D, G2760D, G621D, G1116D.
Identifiers: ClinVar variation 1762712 (VCV001762712.2), dbSNP rs2137582560, ClinGen allele CA387750079.
Genomic context (GRCh38, chr13:32,363,481, plus strand): 5'-TAAAGAATGGCAGACTGACAGTTGGTCAGAAGATTATTCTTCATGGAGCAGAACTGGTGG[G>A]CTCTCCTGATGCCTGTACACCTCTTGAAGCCCCAGAATCTCTTATGTTAAAGGTAAATTA-3'
Protein context (NP_000050.3, residues 2750-2770): KIILHGAELV[Gly2760Asp]SPDACTPLEA